The following is an entry in ClinVar:

NM_021175.4(HAMP):c.223C>G (p.Arg75Gly)

Gene: HAMP (hepcidin antimicrobial peptide; plus strand). Cytogenetic location: 19q13.12.
Variant type: single nucleotide variant.
Coding change: c.223C>G on transcript NM_021175.4 (MANE Select); coding-DNA position 223, C replaced by G.
Protein change: p.Arg75Gly; replaces arginine 75 with glycine.
Molecular consequence: missense variant.
Genome position (GRCh38, 1-based): chr19:35,285,010, C>G. VCF-style: chr19-35285010-C-G. GRCh37 (hg19) VCF-style: chr19-35775913-C-G.
Other names: c.223C>G (NM_021175.3); short protein forms R75G.
Identifiers: ClinVar variation 891880 (VCV000891880.5), dbSNP rs200488037, ClinGen allele CA405301644.

ClinVar aggregate classification (germline): Uncertain significance. Review status: criteria provided, multiple submitters, no conflicts (2 of 4 stars). 2 submissions from 2 submitters: Uncertain significance (2). Last evaluated 2026-03-20.

Conditions:
HAMP-related disorder. Also called: HAMP-related condition.
Hemochromatosis type 2B (HFE2B). Also called: HAMP-Related Juvenile Hemochromatosis; Juvenile-Onset Hemochromatosis. Identifiers: Orphanet 79230, MedGen C1865616, MONDO:0013220, OMIM 613313.

Allele frequency attached by ClinVar (database versions not stated): TOPMed 0.00001.
gnomAD v4.1: 6 of 1,613,684 alleles (0.00037%); highest among the groups gnomAD compares: Non-Finnish European, 0.00051%; no homozygotes.

Submissions (2):

PreventionGenetics, part of Exact Sciences
Classification: Uncertain significance for HAMP-related condition. Last evaluated: 2026-03-20. Review status: criteria provided, single submitter. Criteria: ACMG Guidelines, 2015. Collection method: clinical testing. Allele origin: germline.
Comment: The HAMP c.223C>G variant is predicted to result in the amino acid substitution p.Arg75Gly. To our knowledge, this variant has not been reported in the literature. This variant is reported in 0.0023% of alleles in individuals of European (Non-Finnish) descent in gnomAD. At this time, the clinical significance of this variant is uncertain due to the absence of conclusive functional and genetic evidence.

Illumina Laboratory Services, Illumina
Classification: Uncertain significance for Hemochromatosis type 2B. Last evaluated: 2017-04-28. Review status: criteria provided, single submitter. Criteria: ICSL Variant Classification Criteria 13 December 2019. Collection method: clinical testing. Allele origin: germline.